The following is an entry in ClinVar:

NM_032447.5(FBN3):c.356G>C (p.Gly119Ala)

Gene: FBN3 (fibrillin 3; minus strand). Cytogenetic location: 19p13.2.
Variant type: single nucleotide variant.
Coding change: c.356G>C on transcript NM_032447.5 (MANE Select); coding-DNA position 356, G replaced by C.
Protein change: p.Gly119Ala; replaces glycine 119 with alanine.
Molecular consequence: missense variant.
Genome position (GRCh38, 1-based): chr19:8,145,932, C>G on the plus strand (G>C on the coding strand, the complement: FBN3 is on the minus strand). VCF-style: chr19-8145932-C-G. GRCh37 (hg19) VCF-style: chr19-8210816-C-G.
Other names: c.356G>C, p.Gly119Ala (NM_001321431.2); c.356G>C (NM_001321431.1); short protein forms G119A.
Identifiers: ClinVar variation 1568265 (VCV001568265.10), dbSNP rs3813773, ClinGen allele CA9153744.

ClinVar aggregate classification (germline): Benign. Review status: criteria provided, single submitter (1 of 4 stars). 2 submissions from 2 submitters: Benign (1). 1 of the submissions does not count toward it. Last evaluated 2026-02-01.

Conditions:
FBN3-related disorder. Also called: FBN3-related condition.

Allele frequency attached by ClinVar (database versions not stated): TOPMed 0.00098; gnomAD 0.00128 and 0.00172; ExAC 0.00161; gnomAD exomes 0.00226; 1000 Genomes Project 30x 0.00375; 1000 Genomes Project 0.00419.
gnomAD v4.1: 2,116 of 1,551,202 alleles (0.14%); highest among the groups gnomAD compares: East Asian, 2.3%; 27 homozygotes.

Submissions (2):

Labcorp Genetics (formerly Invitae), Labcorp
Classification: Benign. Last evaluated: 2026-02-01. Review status: criteria provided, single submitter. Criteria: Invitae Variant Classification Sherloc (09022015). Collection method: clinical testing. Allele origin: germline.

PreventionGenetics, part of Exact Sciences
Classification: Benign for FBN3-related condition. Last evaluated: 2019-04-10. Review status: no assertion criteria provided. Collection method: clinical testing. Allele origin: germline. Not counted in ClinVar's aggregate classification.
Comment: This variant is classified as benign based on ACMG/AMP sequence variant interpretation guidelines (Richards et al. 2015 PMID: 25741868, with internal and published modifications).